The following is an entry in ClinVar:

NM_014989.7(RIMS1):c.2194C>T (p.Pro732Ser)

Gene: RIMS1 (regulating synaptic membrane exocytosis 1; plus strand). Cytogenetic location: 6q13.
Variant type: single nucleotide variant.
Coding change: c.2194C>T on transcript NM_014989.7 (MANE Select); coding-DNA position 2194, C replaced by T.
Protein change: p.Pro732Ser; replaces proline 732 with serine.
Molecular consequence: missense variant.
Genome position (GRCh38, 1-based): chr6:72,248,080, C>T. VCF-style: chr6-72248080-C-T. GRCh37 (hg19) VCF-style: chr6-72957783-C-T.
Other names: c.616C>T, p.Pro206Ser (NM_001168407.2, NM_001168408.2, NM_001350414.2 and 37 more transcripts); c.373C>T, p.Pro125Ser (NM_001168409.2, NM_001350461.2, NM_001350463.2 and 6 more transcripts); c.571C>T, p.Pro191Ser (NM_001168410.2, NM_001350470.2, NM_001350472.2 and 2 more transcripts); c.547C>T, p.Pro183Ser (NM_001350421.2, NM_001350424.2, NM_001350428.2 and 6 more transcripts); short protein forms P183S, P191S, P125S, P206S, P732S.
Identifiers: ClinVar variation 1469754 (VCV001469754.8), dbSNP rs2154129232, ClinGen allele CA364678184.

ClinVar aggregate classification (germline): Uncertain significance (1 of 4 stars; one submission).

gnomAD v4.1: 6 of 1,613,170 alleles (0.00037%); highest among the groups gnomAD compares: Non-Finnish European, 0.00051%; no homozygotes.

Submission:

Labcorp Genetics (formerly Invitae), Labcorp
Classification: Uncertain significance. Last evaluated: 2023-07-07. Review status: criteria provided, single submitter. Criteria: Invitae Variant Classification Sherloc (09022015). Collection method: clinical testing. Allele origin: germline.
Comment: This variant is not present in population databases (gnomAD no frequency). This sequence change replaces proline, which is neutral and non-polar, with serine, which is neutral and polar, at codon 732 of the RIMS1 protein (p.Pro732Ser). This variant has not been reported in the literature in individuals affected with RIMS1-related conditions. In summary, the available evidence is currently insufficient to determine the role of this variant in disease. Therefore, it has been classified as a Variant of Uncertain Significance. An algorithm developed to predict the effect of missense changes on protein structure and function (PolyPhen-2) suggests that this variant is likely to be disruptive. ClinVar contains an entry for this variant (Variation ID: 1469754).